The following is an entry in ClinVar:

NM_001271.4(CHD2):c.5326C>G (p.Pro1776Ala)

Gene: CHD2 (chromodomain helicase DNA binding protein 2; plus strand). Cytogenetic location: 15q26.1.
Variant type: single nucleotide variant.
Coding change: c.5326C>G on transcript NM_001271.4 (MANE Select); coding-DNA position 5326, C replaced by G.
Protein change: p.Pro1776Ala; replaces proline 1776 with alanine.
Molecular consequence: missense variant.
Genome position (GRCh38, 1-based): chr15:93,024,544, C>G. VCF-style: chr15-93024544-C-G. GRCh37 (hg19) VCF-style: chr15-93567774-C-G.
Other names: short protein forms P1776A.
Identifiers: ClinVar variation 474396 (VCV000474396.11), dbSNP rs371006816, ClinGen allele CA393908557.

ClinVar aggregate classification (germline): Uncertain significance (1 of 4 stars; one submission).

Conditions:
Developmental and epileptic encephalopathy 94 (DEE94). Also called: CHD2-Related Neurodevelopmental Disorders; Epileptic encephalopathy, childhood-onset. Identifiers: Orphanet 1942, Orphanet 2382, MedGen C3809278, MONDO:0014150, OMIM 615369.

gnomAD v4.1: 1 of 1,614,238 alleles (0.000062%); highest among the groups gnomAD compares: Middle Eastern, 0.016%; no homozygotes.

Submission:

Labcorp Genetics (formerly Invitae), Labcorp
Classification: Uncertain significance for Developmental and epileptic encephalopathy 94. Last evaluated: 2022-10-14. Review status: criteria provided, single submitter. Criteria: Invitae Variant Classification Sherloc (09022015). Collection method: clinical testing. Allele origin: germline.
Comment: Advanced modeling of protein sequence and biophysical properties (such as structural, functional, and spatial information, amino acid conservation, physicochemical variation, residue mobility, and thermodynamic stability) performed at Invitae indicates that this missense variant is not expected to disrupt CHD2 protein function. ClinVar contains an entry for this variant (Variation ID: 474396). This variant has not been reported in the literature in individuals affected with CHD2-related conditions. This variant is not present in population databases (gnomAD no frequency). This sequence change replaces proline, which is neutral and non-polar, with alanine, which is neutral and non-polar, at codon 1776 of the CHD2 protein (p.Pro1776Ala). In summary, the available evidence is currently insufficient to determine the role of this variant in disease. Therefore, it has been classified as a Variant of Uncertain Significance.